The following is an entry in ClinVar:

NM_000384.3(APOB):c.10656A>G (p.Gly3552=)

Gene: APOB (apolipoprotein B; minus strand). Cytogenetic location: 2p24.1.
Variant type: single nucleotide variant.
Coding change: c.10656A>G on transcript NM_000384.3 (MANE Select); coding-DNA position 10656, A replaced by G.
Protein change: p.Gly3552=; no amino-acid change (glycine 3552 retained).
Molecular consequence: synonymous variant.
Genome position (GRCh38, 1-based): chr2:21,006,212, T>C on the plus strand (A>G on the coding strand, the complement: APOB is on the minus strand). VCF-style: chr2-21006212-T-C. GRCh37 (hg19) VCF-style: chr2-21229084-T-C.
Identifiers: ClinVar variation 925281 (VCV000925281.7), dbSNP rs771137352, ClinGen allele CA044229.
Genomic context (GRCh38, chr2:21,006,212, plus strand): 5'-CTGTAAGTGGTTTTTCGTACTGTGCTCCCAGAGGGAATATATGCGTTGGAGTGTGGCTTC[T>C]CCAGCAAAATTTTCTTTTACTTCAAGGTTCCAGATATCATCAATTTTGGAAGTGCCCTGC-3'
Protein context (NP_000375.3, residues 3542-3562): WNLEVKENFA[Gly3552=]EATLQRIYSL

ClinVar aggregate classification (germline): Likely benign. Review status: criteria provided, multiple submitters, no conflicts (2 of 4 stars). 3 submissions from 3 submitters: Likely benign (3). Last evaluated 2025-03-04.

Conditions:
Familial hypercholesterolemia. Also called: Familial hypercholesterolemias; Familial hypercholesterolaemia. Identifiers: MedGen C0020445, MONDO:0005439.
Cardiovascular phenotype. Identifiers: MedGen CN230736.
Familial hypobetalipoproteinemia 1. Also called: Hypobetalipoproteinemia, normotriglyceridemic; Acanthocytosis with hypobetalipoproteinemia; APOB-Related Familial Hypobetalipoproteinemia. Identifiers: MedGen C4551990, MONDO:0014252, OMIM 615558.
Hypercholesterolemia, autosomal dominant, type B (FHCL2). Also called: Familial Hypercholesterolemia Type B; HYPERCHOLESTEROLEMIA, FAMILIAL, DUE TO LIGAND-DEFECTIVE APOLIPOPROTEIN B; Familial hypercholesterolemia 2; APOB-Related Familial Hypercholesterolemia, Autosomal Dominant; APOLIPOPROTEIN B-100, FAMILIAL DEFECTIVE; APOLIPOPROTEIN B-100, FAMILIAL LIGAND-DEFECTIVE. Identifiers: MedGen C1704417, MONDO:0007751, OMIM 144010.

Allele frequency attached by ClinVar (database versions not stated): gnomAD exomes below 0.00001; ExAC 0.00001; gnomAD 0.00001.

Submissions (3):

GENinCode PLC
Classification: Likely benign for Familial hypercholesterolemia. Last evaluated: 2025-03-04. Review status: criteria provided, single submitter. Criteria: ACMG Guidelines, 2015. Collection method: clinical testing. Allele origin: germline.
Comment: This is a synonymous (silent) variant that is not predicted to impact splicing and occurs at a nucleotide which is not highly conserved. This variant has been classified as Likely Benign (BP4, BP7).

Labcorp Genetics (formerly Invitae), Labcorp
Classification: Likely benign for Familial hypobetalipoproteinemia 1; Hypercholesterolemia, autosomal dominant, type B. Last evaluated: 2024-07-10. Review status: criteria provided, single submitter. Criteria: Invitae Variant Classification Sherloc (09022015). Collection method: clinical testing. Allele origin: germline.

Ambry Genetics
Classification: Likely benign for Cardiovascular phenotype. Last evaluated: 2020-05-14. Review status: criteria provided, single submitter. Criteria: Ambry Variant Classification Scheme 2023. Collection method: clinical testing. Allele origin: germline.